The following is an entry in ClinVar:

NM_001330078.2(NRXN1):c.3559A>G (p.Ile1187Val)

Gene: NRXN1 (neurexin 1; minus strand). Cytogenetic location: 2p16.3.
Variant type: single nucleotide variant.
Coding change: c.3559A>G on transcript NM_001330078.2 (MANE Select); coding-DNA position 3559, A replaced by G.
Protein change: p.Ile1187Val; replaces isoleucine 1187 with valine.
Molecular consequence: missense variant.
Genome position (GRCh38, 1-based): chr2:50,091,482, T>C on the plus strand (A>G on the coding strand, the complement: NRXN1 is on the minus strand). VCF-style: chr2-50091482-T-C. GRCh37 (hg19) VCF-style: chr2-50318620-T-C.
Other names: c.3679A>G, p.Ile1227Val (NM_001135659.3); c.3535A>G, p.Ile1179Val (NM_001330077.2, NM_001330082.2); c.3493A>G, p.Ile1165Val (NM_001330083.2, NM_001330084.2); c.3532A>G, p.Ile1178Val (NM_001330085.2); c.3559A>G, p.Ile1187Val (NM_001330086.2, NM_004801.6); c.3448A>G, p.Ile1150Val (NM_001330087.2, NM_001330096.2); c.3478A>G, p.Ile1160Val (NM_001330088.2); c.454A>G, p.Ile152Val (NM_001330091.2, NM_001330092.2, NM_001330097.2 and 1 more transcripts); and 3 more; short protein forms I1183V, I1186V, I1179V, I1187V, I1227V, I1165V, I1178V, I152V.
Identifiers: ClinVar variation 3683157 (VCV003683157.2).

ClinVar aggregate classification (germline): Uncertain significance (1 of 4 stars; one submission).

Conditions:
Pitt-Hopkins-like syndrome 2 (PTHSL2). Identifiers: Orphanet 221150, Orphanet 600663, MedGen C3280479, MONDO:0013690, OMIM 614325.

gnomAD v4.1: 6 of 1,613,968 alleles (0.00037%); highest among the groups gnomAD compares: Non-Finnish European, 0.00051%; no homozygotes.

Submission:

Labcorp Genetics (formerly Invitae), Labcorp
Classification: Uncertain significance for Pitt-Hopkins-like syndrome 2. Last evaluated: 2024-12-24. Review status: criteria provided, single submitter. Criteria: Invitae Variant Classification Sherloc (09022015). Collection method: clinical testing. Allele origin: germline.
Comment: This sequence change replaces isoleucine, which is neutral and non-polar, with valine, which is neutral and non-polar, at codon 1227 of the NRXN1 protein (p.Ile1227Val). This variant is not present in population databases (gnomAD no frequency). This variant has not been reported in the literature in individuals affected with NRXN1-related conditions. Invitae Evidence Modeling of protein sequence and biophysical properties (such as structural, functional, and spatial information, amino acid conservation, physicochemical variation, residue mobility, and thermodynamic stability) indicates that this missense variant is not expected to disrupt NRXN1 protein function with a negative predictive value of 80%. In summary, the available evidence is currently insufficient to determine the role of this variant in disease. Therefore, it has been classified as a Variant of Uncertain Significance.